The following is an entry in ClinVar:

NM_000095.3(COMP):c.1240A>C (p.Ser414Arg)

Gene: COMP (cartilage oligomeric matrix protein; minus strand). Cytogenetic location: 19p13.11.
Variant type: single nucleotide variant.
Coding change: c.1240A>C on transcript NM_000095.3 (MANE Select); coding-DNA position 1240, A replaced by C.
Protein change: p.Ser414Arg; replaces serine 414 with arginine.
Molecular consequence: missense variant.
Genome position (GRCh38, 1-based): chr19:18,786,546, T>G on the plus strand (A>C on the coding strand, the complement: COMP is on the minus strand). VCF-style: chr19-18786546-T-G. GRCh37 (hg19) VCF-style: chr19-18897356-T-G.
Other names: short protein forms S414R.
Identifiers: ClinVar variation 1469373 (VCV001469373.8), dbSNP rs2145901288, ClinGen allele CA404886305.

ClinVar aggregate classification (germline): Uncertain significance (1 of 4 stars; one submission).

gnomAD v4.1: 15 of 1,614,008 alleles (0.00093%); highest among the groups gnomAD compares: Non-Finnish European, 0.0013%; no homozygotes.

Submission:

Labcorp Genetics (formerly Invitae), Labcorp
Classification: Uncertain significance. Last evaluated: 2022-02-05. Review status: criteria provided, single submitter. Criteria: Invitae Variant Classification Sherloc (09022015). Collection method: clinical testing. Allele origin: germline.
Comment: In summary, the available evidence is currently insufficient to determine the role of this variant in disease. Therefore, it has been classified as a Variant of Uncertain Significance. This sequence change replaces serine, which is neutral and polar, with arginine, which is basic and polar, at codon 414 of the COMP protein (p.Ser414Arg). This variant is not present in population databases (gnomAD no frequency). This variant has not been reported in the literature in individuals affected with COMP-related conditions. Advanced modeling of protein sequence and biophysical properties (such as structural, functional, and spatial information, amino acid conservation, physicochemical variation, residue mobility, and thermodynamic stability) performed at Invitae indicates that this missense variant is not expected to disrupt COMP protein function.